The following is an entry in ClinVar:

ClinVar aggregate classification (germline): Conflicting classifications of pathogenicity. Review status: criteria provided, conflicting classifications (1 of 4 stars). 9 submissions from 9 submitters: Uncertain significance (6); Likely benign (3). Last evaluated 2026-01-20.

Conditions:
BRCA2-related cancer predisposition. Identifiers: MedGen CN377758, MONDO:0700269.
Hereditary cancer-predisposing syndrome. Also called: Hereditary neoplastic syndrome; Neoplastic Syndromes, Hereditary; Tumor predisposition; Hereditary Cancer Syndrome. Identifiers: Orphanet 140162, MedGen C0027672, MeSH D009386, MONDO:0015356.
Breast-ovarian cancer, familial, susceptibility to, 2 (BROVCA2). Also called: BRCA2 Hereditary Breast and Ovarian Cancer. Identifiers: Orphanet 145, MedGen C2675520, MONDO:0012933, OMIM 612555. Disease mechanism: loss of function.
Familial cancer of breast. Also called: BREAST CANCER, FAMILIAL; hereditary breast carcinoma; Hereditary breast cancer. Identifiers: Orphanet 227535, MedGen C0346153, MONDO:0016419, OMIM 114480. Disease mechanism: loss of function.
Hereditary breast ovarian cancer syndrome. Also called: Hereditary breast and/or ovarian cancer syndrome; BRCA1- and BRCA2-Associated Hereditary Breast and Ovarian Cancer; Hereditary breast and ovarian cancer; Breast and ovarian cancer; Hereditary breast and ovarian cancer syndrome; Hereditary breast and ovarian cancer syndrome (HBOC). Identifiers: Orphanet 145, MedGen C0677776, MeSH D061325, MONDO:0003582. Disease mechanism: loss of function.

Allele frequency attached by ClinVar (database versions not stated): TOPMed below 0.00001.

Submissions (9):

Labcorp Genetics (formerly Invitae), Labcorp
Classification: Uncertain significance for Hereditary breast ovarian cancer syndrome. Last evaluated: 2026-01-20. Review status: criteria provided, single submitter. Criteria: Invitae Variant Classification Sherloc (09022015). Collection method: clinical testing. Allele origin: germline.
Comment: This sequence change replaces serine, which is neutral and polar, with asparagine, which is neutral and polar, at codon 3396 of the BRCA2 protein (p.Ser3396Asn). This variant is not present in population databases (gnomAD no frequency). This variant has not been reported in the literature in individuals affected with BRCA2-related conditions. ClinVar contains an entry for this variant (Variation ID: 462221). Invitae Evidence Modeling of protein sequence and biophysical properties (such as structural, functional, and spatial information, amino acid conservation, physicochemical variation, residue mobility, and thermodynamic stability) indicates that this missense variant is not expected to disrupt BRCA2 protein function with a negative predictive value of 95%. In summary, the available evidence is currently insufficient to determine the role of this variant in disease. Therefore, it has been classified as a Variant of Uncertain Significance.

Quest Diagnostics Nichols Institute San Juan Capistrano
Classification: Uncertain significance. Last evaluated: 2024-10-02. Review status: criteria provided, single submitter. Criteria: Quest Diagnostics criteria. Collection method: clinical testing. Allele origin: unknown.
Comment: The BRCA2 c.10187G>A (p.Ser3396Asn) variant has not been reported in individuals with BRCA2-related conditions in the published literature. It also has not been reported in large, multi-ethnic general populations (Genome Aggregation Database). Analysis of this variant using bioinformatics tools for the prediction of the effect of amino acid changes on protein structure and function yielded predictions that this variant is benign. Based on the available information, we are unable to determine the clinical significance of this variant.

Molecular Diagnostics Laboratory, Catalan Institute of Oncology
Classification: Likely benign for Hereditary cancer-predisposing syndrome. Last evaluated: 2024-09-24. Review status: criteria provided, single submitter. Criteria: ClinGen BRCA1BRCA2 ACMG Specifications BRCA2 V1.0.0. Collection method: clinical testing. Allele origin: germline.
Comment: PM2_Supporting, BP1_Strong c.10187G>A, located in exon 27 of the BRCA2 gene, is predicted to result in the substitution of Ser by Asn at codon 3396, p.(Ser3396Asn). This position is outside a (potentially) clinically important functional domain and, moreover, the SpliceAI algorithm predicts no significant impact on splicing (BP1_strong). It is not present in the population database gnomAD v2.1.1, non cancer dataset (PM2_supporting). To our knowledge, neither clinical data nor functional studies have been reported for this variant and there are no reports of pathogenic missense variants in the same codon. This variant has been reported in ClinVar database (2x likely benign, 4x uncertain significance) and in BRCA Exchange database as not yet reviewed, and it has not been reported in LOVD database. Based on currently available information, the variant c.10187G>A should be considered a an uncertain significance variant.

All of Us Research Program, National Institutes of Health
Classification: Uncertain significance for BRCA2-related cancer predisposition. Last evaluated: 2024-07-29. Review status: criteria provided, single submitter. Criteria: ACMG Guidelines, 2015. Collection method: clinical testing. Allele origin: germline. Inheritance: Autosomal dominant inheritance. Observed: 2 variant alleles, 2 heterozygotes.
Comment: This missense variant replaces serine with asparagine at codon 3396 of the BRCA2 protein. Computational prediction suggests that this variant may not impact protein structure and function (internally defined REVEL score threshold <= 0.5, PMID: 27666373). To our knowledge, functional studies have not been reported for this variant. This variant has not been reported in individuals affected with hereditary cancer in the literature. This variant has not been identified in the general population by the Genome Aggregation Database (gnomAD). The available evidence is insufficient to determine the role of this variant in disease conclusively. Therefore, this variant is classified as a Variant of Uncertain Significance.

This study involves interpretation of variants in research participants for the purpose of population health screening. Participant phenotype was not available at the time of variant classification. Additional details can be found in publication PMID: 35346344, PMCID: PMC8962531

Sema4
Classification: Uncertain significance for Hereditary cancer-predisposing syndrome. Last evaluated: 2021-08-17. Review status: criteria provided, single submitter. Criteria: Sema4 Curation Guidelines. Collection method: curation. Allele origin: germline.
Comment: The BRCA2 c.10187G>A (p.S3396N) variant has not been reported in the literature to our knowledge. It was not observed in the large and broad cohorts of the Genome Aggregation Database. The variant has been reported in ClinVar (Variation ID 462221). In silico tools suggest the impact of the variant on protein function is benign, though these predictions have not been confirmed by functional studies. The evidence is insufficient to meet ACMG/AMP criteria for classifying the variant as benign or pathogenic. Thus, the clinical significance of this variant is currently uncertain.

Women's Health and Genetics/Laboratory Corporation of America, LabCorp
Classification: Uncertain significance. Last evaluated: 2021-08-02. Review status: criteria provided, single submitter. Criteria: LabCorp Variant Classification Summary - May 2015. Collection method: clinical testing. Allele origin: germline.
Comment: Variant summary: BRCA2 c.10187G>A (p.Ser3396Asn) results in a conservative amino acid change in the encoded protein sequence. Five of five in-silico tools predict a benign effect of the variant on protein function. The variant was absent in 251044 control chromosomes. The available data on variant occurrences in the general population are insufficient to allow any conclusion about variant significance. To our knowledge, no occurrence of c.10187G>A in individuals affected with Hereditary Breast And Ovarian Cancer Syndrome and no experimental evidence demonstrating its impact on protein function have been reported. Four clinical diagnostic laboratories have submitted clinical-significance assessments for this variant to ClinVar after 2014 without evidence for independent evaluation. Multiple laboratories reported the variant with conflicting assessments (likely benign, n=2; VUS, n=2). Based on the evidence outlined above, the variant was classified as uncertain significance.

Department of Pathology and Laboratory Medicine, Sinai Health System
Classification: Uncertain significance for Familial cancer of breast; Breast-ovarian cancer, familial, susceptibility to, 2. Last evaluated: 2021-07-28. Review status: criteria provided, single submitter. Criteria: ACMG Guidelines, 2015. Collection method: clinical testing. Allele origin: germline. Affected: yes.

GeneDx
Classification: Likely benign. Last evaluated: 2017-06-22. Review status: criteria provided, single submitter. Criteria: GeneDx Variant Classification (06012015). Collection method: clinical testing. Allele origin: germline. Affected: yes.
Comment: This variant is considered likely benign or benign based on one or more of the following criteria: it is a conservative change, it occurs at a poorly conserved position in the protein, it is predicted to be benign by multiple in silico algorithms, and/or has population frequency not consistent with disease.

Ambry Genetics
Classification: Likely benign for Hereditary cancer-predisposing syndrome. Last evaluated: 2016-12-09. Review status: criteria provided, single submitter. Criteria: Ambry Variant Classification Scheme 2023. Collection method: clinical testing. Allele origin: germline.

NM_000059.4(BRCA2):c.10187G>A (p.Ser3396Asn)

Gene: BRCA2 (BRCA2 DNA repair associated; plus strand). Cytogenetic location: 13q13.1.
Variant type: single nucleotide variant.
Coding change: c.10187G>A on transcript NM_000059.4 (MANE Select); coding-DNA position 10187, G replaced by A.
Protein change: p.Ser3396Asn; replaces serine 3396 with asparagine.
Molecular consequence: missense variant.
Genome position (GRCh38, 1-based): chr13:32,398,700, G>A. VCF-style: chr13-32398700-G-A. GRCh37 (hg19) VCF-style: chr13-32972837-G-A.
Other names: short protein forms S3396N.
Identifiers: ClinVar variation 462221 (VCV000462221.23), dbSNP rs889208749, ClinGen allele CA387768335.